The following is an entry in ClinVar:

ClinVar aggregate classification (germline): Uncertain significance. Review status: criteria provided, multiple submitters, no conflicts (2 of 4 stars). 2 submissions from 2 submitters: Uncertain significance (2). Last evaluated 2024-12-16.

Conditions:
Ehlers-Danlos syndrome, classic type, 1 (EDSCL1). Also called: Ehlers-Danlos syndrome, type 1; Ehlers-Danlos Syndrome, Classic Type, COL5A1-Related; EDS I; EHLERS-DANLOS SYNDROME, GRAVIS TYPE; EHLERS-DANLOS SYNDROME, SEVERE CLASSIC TYPE. Identifiers: MedGen C0268335, MONDO:0019567, OMIM 130000.

Submissions (2):

GeneDx
Classification: Uncertain significance. Last evaluated: 2024-12-16. Review status: criteria provided, single submitter. Criteria: GeneDx Variant Classification Process June 2021. Collection method: clinical testing. Allele origin: germline. Affected: yes.
Comment: Not observed at significant frequency in large population cohorts (gnomAD); In silico analysis supports that this missense variant has a deleterious effect on protein structure/function; Has not been previously published as pathogenic or benign to our knowledge; This variant is associated with the following publications: (PMID: 22696272)

Labcorp Genetics (formerly Invitae), Labcorp
Classification: Uncertain significance for Ehlers-Danlos syndrome, classic type, 1. Last evaluated: 2022-03-03. Review status: criteria provided, single submitter. Criteria: Invitae Variant Classification Sherloc (09022015). Collection method: clinical testing. Allele origin: germline.
Comment: This sequence change replaces glutamine, which is neutral and polar, with proline, which is neutral and non-polar, at codon 223 of the COL5A1 protein (p.Gln223Pro). In summary, the available evidence is currently insufficient to determine the role of this variant in disease. Therefore, it has been classified as a Variant of Uncertain Significance. Advanced modeling of protein sequence and biophysical properties (such as structural, functional, and spatial information, amino acid conservation, physicochemical variation, residue mobility, and thermodynamic stability) performed at Invitae indicates that this missense variant is not expected to disrupt COL5A1 protein function. This variant is not present in population databases (gnomAD no frequency). This variant has not been reported in the literature in individuals affected with COL5A1-related conditions.

NM_000093.5(COL5A1):c.668A>C (p.Gln223Pro)

Gene: COL5A1 (collagen type V alpha 1 chain; plus strand). Cytogenetic location: 9q34.3.
Variant type: single nucleotide variant.
Coding change: c.668A>C on transcript NM_000093.5 (MANE Select); coding-DNA position 668, A replaced by C.
Protein change: p.Gln223Pro; replaces glutamine 223 with proline.
Molecular consequence: missense variant.
Genome position (GRCh38, 1-based): chr9:134,727,279, A>C. VCF-style: chr9-134727279-A-C. GRCh37 (hg19) VCF-style: chr9-137619125-A-C.
Other names: c.668A>C, p.Gln223Pro (NM_001278074.1); short protein forms Q223P.
Identifiers: ClinVar variation 1722969 (VCV001722969.8), dbSNP rs1554787531, ClinGen allele CA375446208.
Genomic context (GRCh38, chr9:134,727,279, plus strand): 5'-CGAGTGCTCTGTGAGCTGCTTTTTCATGAGCGTCTCTTCTTTTCCAGGGTGACATCCAGC[A>C]GCTGCTCTTTGTCTCGGACCACCGGGCAGCTTATGATTACTGTGAGCACTACAGCCCTGA-3'
Protein context (NP_000084.3, residues 213-233): DEEVFEGDIQ[Gln223Pro]LLFVSDHRAA